The following is an entry in ClinVar:

ClinVar aggregate classification (germline): Likely benign. Review status: criteria provided, multiple submitters, no conflicts (2 of 4 stars). 2 submissions from 2 submitters: Likely benign (2). Last evaluated 2025-02-05.

Conditions:
Dilated cardiomyopathy 1G (CMD1G). Identifiers: Orphanet 154, MedGen C1858763, MONDO:0011400, OMIM 604145.
Autosomal recessive limb-girdle muscular dystrophy type 2J (LGMDR10). Also called: Limb-girdle muscular dystrophy, type 2J; MUSCULAR DYSTROPHY, LIMB-GIRDLE, AUTOSOMAL RECESSIVE 10. Identifiers: Orphanet 140922, MedGen C1837342, MONDO:0012127, OMIM 608807.

Allele frequency attached by ClinVar (database versions not stated): gnomAD exomes 0.00001.
gnomAD v4.1: 4 of 1,612,334 alleles (0.00025%); highest among the groups gnomAD compares: East Asian, 0.0022%; no homozygotes.

Submissions (2):

Labcorp Genetics (formerly Invitae), Labcorp
Classification: Likely benign for Dilated cardiomyopathy 1G; Autosomal recessive limb-girdle muscular dystrophy type 2J. Last evaluated: 2025-02-05. Review status: criteria provided, single submitter. Criteria: Invitae Variant Classification Sherloc (09022015). Collection method: clinical testing. Allele origin: germline.

CeGaT Center for Human Genetics Tuebingen
Classification: Likely benign. Last evaluated: 2023-02-01. Review status: criteria provided, single submitter. Criteria: CeGaT Center For Human Genetics Tuebingen Variant Classification Criteria Version 2. Collection method: clinical testing. Allele origin: germline. Affected: yes. Observed: 1 variant allele.
Comment: TTN: PM2:Supporting, BP4, BP7

NM_001267550.2(TTN):c.81186G>A (p.Lys27062=)

Genes: TTN (titin; minus strand), TTN-AS1 (TTN antisense RNA 1; plus strand). Cytogenetic location: 2q31.2.
Variant type: single nucleotide variant.
Coding change: c.81186G>A on transcript NM_001267550.2 (MANE Select); coding-DNA position 81186, G replaced by A.
Protein change: p.Lys27062=; no amino-acid change (lysine 27062 retained).
Molecular consequence: synonymous variant.
Genome position (GRCh38, 1-based): chr2:178,564,946, C>T on the plus strand (G>A on the coding strand, the complement: TTN is on the minus strand). VCF-style: chr2-178564946-C-T. GRCh37 (hg19) VCF-style: chr2-179429673-C-T.
Other names: c.76263G>A, p.Lys25421= (NM_001256850.1); c.53991G>A, p.Lys17997= (NM_003319.4); c.73482G>A, p.Lys24494= (NM_133378.4); c.54366G>A, p.Lys18122= (NM_133432.3); c.54567G>A, p.Lys18189= (NM_133437.4).
Identifiers: ClinVar variation 2498850 (VCV002498850.31), dbSNP rs2468226451, ClinGen allele CA430251361.
Genomic context (GRCh38, chr2:178,564,946, plus strand): 5'-TGTCACAAAAGGAGTTCCAGGTGGTCCAGGTTCTTTAAATGGATATTGTACAATAACTGC[C>T]TTAGAATCCAGTGGGGCACTTTTTCCATACCTGTTTTCAGCAAAAATTCTAAACTGGTAC-3'
Protein context (NP_001254479.2, residues 27052-27072): RYGKSAPLDS[Lys27062=]AVIVQYPFKE